The following is an entry in ClinVar:

NM_001369268.1(ACAN):c.2119C>G (p.Pro707Ala)

Gene: ACAN (aggrecan; plus strand). Cytogenetic location: 15q26.1.
Variant type: single nucleotide variant.
Coding change: c.2119C>G on transcript NM_001369268.1 (MANE Select); coding-DNA position 2119, C replaced by G.
Protein change: p.Pro707Ala; replaces proline 707 with alanine.
Molecular consequence: missense variant.
Genome position (GRCh38, 1-based): chr15:88,851,886, C>G. VCF-style: chr15-88851886-C-G. GRCh37 (hg19) VCF-style: chr15-89395117-C-G.
Other names: c.2119C>G, p.Pro707Ala (NM_001135.4, NM_001411096.1, NM_001411097.1 and 1 more transcripts); short protein forms P707A.
Identifiers: ClinVar variation 2983441 (VCV002983441.3), dbSNP rs2505295211, ClinGen allele CA393713955.

ClinVar aggregate classification (germline): Uncertain significance (1 of 4 stars; one submission).

Submission:

Labcorp Genetics (formerly Invitae), Labcorp
Classification: Uncertain significance. Last evaluated: 2025-11-28. Review status: criteria provided, single submitter. Criteria: Invitae Variant Classification Sherloc (09022015). Collection method: clinical testing. Allele origin: germline.
Comment: This sequence change replaces proline, which is neutral and non-polar, with alanine, which is neutral and non-polar, at codon 707 of the ACAN protein (p.Pro707Ala). This variant is not present in population databases (gnomAD no frequency). This variant has not been reported in the literature in individuals affected with ACAN-related conditions. ClinVar contains an entry for this variant (Variation ID: 2983441). Invitae Evidence Modeling of protein sequence and biophysical properties (such as structural, functional, and spatial information, amino acid conservation, physicochemical variation, residue mobility, and thermodynamic stability) indicates that this missense variant is not expected to disrupt ACAN protein function with a negative predictive value of 80%. In summary, the available evidence is currently insufficient to determine the role of this variant in disease. Therefore, it has been classified as a Variant of Uncertain Significance.